The following is an entry in ClinVar:

ClinVar aggregate classification (germline): Benign/Likely benign. Review status: criteria provided, multiple submitters, no conflicts (2 of 4 stars). 2 submissions from 2 submitters: Benign (1); Likely benign (1). Last evaluated 2025-09-01.

Allele frequency attached by ClinVar (database versions not stated): ExAC 0.00003; gnomAD 0.00006; TOPMed 0.00006; gnomAD exomes 0.00007.
gnomAD v4.1: 107 of 1,613,174 alleles (0.0066%); highest among the groups gnomAD compares: Non-Finnish European, 0.0082%; no homozygotes.

Submissions (2):

CeGaT Center for Human Genetics Tuebingen
Classification: Likely benign. Last evaluated: 2025-09-01. Review status: criteria provided, single submitter. Criteria: CeGaT Center For Human Genetics Tuebingen Variant Classification Criteria Version 2. Collection method: clinical testing. Allele origin: germline. Affected: yes. Observed: 1 variant allele.
Comment: BPTF: BP4

Labcorp Genetics (formerly Invitae), Labcorp
Classification: Benign. Last evaluated: 2024-10-23. Review status: criteria provided, single submitter. Criteria: Invitae Variant Classification Sherloc (09022015). Collection method: clinical testing. Allele origin: germline.

NM_182641.4(BPTF):c.4727A>G (p.Asn1576Ser)

Gene: BPTF (bromodomain PHD finger transcription factor; plus strand). Cytogenetic location: 17q24.2.
Variant type: single nucleotide variant.
Coding change: c.4727A>G on transcript NM_182641.4 (MANE Select); coding-DNA position 4727, A replaced by G.
Protein change: p.Asn1576Ser; replaces asparagine 1576 with serine.
Molecular consequence: missense variant.
Genome position (GRCh38, 1-based): chr17:67,912,611, A>G. VCF-style: chr17-67912611-A-G. GRCh37 (hg19) VCF-style: chr17-65908727-A-G.
Other names: c.5105A>G, p.Asn1702Ser (NM_004459.7); short protein forms N1576S, N1702S.
Identifiers: ClinVar variation 1975956 (VCV001975956.12), dbSNP rs767024419, ClinGen allele CA8725847.